The following is an entry in ClinVar:

ClinVar aggregate classification (germline): Conflicting classifications of pathogenicity. Review status: criteria provided, conflicting classifications (1 of 4 stars). 5 submissions from 4 submitters: Uncertain significance (1); Likely benign (4). Last evaluated 2025-07-14.

Conditions:
Retinitis pigmentosa (RP). Identifiers: Orphanet 791, MedGen C0035334, MeSH D012174, MONDO:0019200, OMIM 268000. Inheritance: Autosomal dominant, autosomal recessive and X linked inheritance.
PDE6B-related disorder. Also called: PDE6B-related disease; PDE6B-related condition; PDE6B-related disorders.
Congenital stationary night blindness autosomal dominant 2. Also called: NIGHT BLINDNESS, CONGENITAL STATIONARY, RAMBUSCH TYPE. Identifiers: Orphanet 215, MedGen C1876182, MONDO:0008099, OMIM 163500.

Allele frequency attached by ClinVar (database versions not stated): gnomAD 0.00002 and 0.00003; TOPMed 0.00002.
gnomAD v4.1: 82 of 1,612,976 alleles (0.0051%); highest among the groups gnomAD compares: South Asian, 0.03%; no homozygotes.

Submissions (5):

Labcorp Genetics (formerly Invitae), Labcorp
Classification: Likely benign. Last evaluated: 2025-07-14. Review status: criteria provided, single submitter. Criteria: Invitae Variant Classification Sherloc (09022015). Collection method: clinical testing. Allele origin: germline.

PreventionGenetics, part of Exact Sciences
Classification: Likely benign for PDE6B-related condition. Last evaluated: 2025-03-26. Review status: criteria provided, single submitter. Criteria: ACMG Guidelines, 2015. Collection method: clinical testing. Allele origin: germline.
Comment: This variant is classified as likely benign based on ACMG/AMP sequence variant interpretation guidelines (Richards et al. 2015 PMID: 25741868, with internal and published modifications).

Blueprint Genetics
Classification: Likely benign. Last evaluated: 2023-04-12. Review status: criteria provided, single submitter. Criteria: ACMG Guidelines, 2015. Collection method: clinical testing. Allele origin: germline.

Illumina Laboratory Services, Illumina
Classification: Uncertain significance for Retinitis pigmentosa. Last evaluated: 2018-01-12. Review status: criteria provided, single submitter. Criteria: ICSL Variant Classification Criteria 13 December 2019. Collection method: clinical testing. Allele origin: germline.

Illumina Laboratory Services, Illumina
Classification: Likely benign for Congenital stationary night blindness autosomal dominant 2. Last evaluated: 2018-01-12. Review status: criteria provided, single submitter. Criteria: ICSL Variant Classification Criteria 13 December 2019. Collection method: clinical testing. Allele origin: germline.
Comment: This variant was observed in the ICSL laboratory as part of a predisposition screen in an ostensibly healthy population. It had not been previously curated by ICSL or reported in the Human Gene Mutation Database (HGMD: prior to June 1st, 2018), and was therefore a candidate for classification through an automated scoring system. Utilizing variant allele frequency, disease prevalence and penetrance estimates, and inheritance mode, an automated score was calculated to assess if this variant is too frequent to cause the disease. Based on the score and internal cut-off values, a variant classified as likely benign is not then subjected to further curation. The score for this variant resulted in a classification of likely benign for this disease.

NM_000283.4(PDE6B):c.1779C>T (p.Ala593=)

Gene: PDE6B (phosphodiesterase 6B; plus strand). Cytogenetic location: 4p16.3.
Variant type: single nucleotide variant.
Coding change: c.1779C>T on transcript NM_000283.4 (MANE Select); coding-DNA position 1779, C replaced by T.
Protein change: p.Ala593=; no amino-acid change (alanine 593 retained).
Molecular consequence: synonymous variant.
Genome position (GRCh38, 1-based): chr4:662,565, C>T. VCF-style: chr4-662565-C-T. GRCh37 (hg19) VCF-style: chr4-656354-C-T.
Other names: c.1779C>T, p.Ala593= (NM_001145291.2); c.942C>T, p.Ala314= (NM_001145292.2, NM_001350154.3, NM_001379246.1 and 1 more transcripts); c.624C>T, p.Ala208= (NM_001350155.3).
Identifiers: ClinVar variation 758782 (VCV000758782.15), dbSNP rs769147926, ClinGen allele CA2794678.